The following is an entry in ClinVar:

NM_000310.4(PPT1):c.560A>G (p.His187Arg)

Gene: PPT1 (palmitoyl-protein thioesterase 1; minus strand). Cytogenetic location: 1p34.2.
Variant type: single nucleotide variant.
Coding change: c.560A>G on transcript NM_000310.4 (MANE Select); coding-DNA position 560, A replaced by G.
Protein change: p.His187Arg; replaces histidine 187 with arginine.
Molecular consequence: missense variant.
Genome position (GRCh38, 1-based): chr1:40,080,464, T>C on the plus strand (A>G on the coding strand, the complement: PPT1 is on the minus strand). VCF-style: chr1-40080464-T-C. GRCh37 (hg19) VCF-style: chr1-40546136-T-C.
Other names: c.251A>G, p.His84Arg (NM_001142604.2); c.560A>G, p.His187Arg (NM_001363695.2); short protein forms H187R, H84R.
Identifiers: ClinVar variation 56206 (VCV000056206.2), dbSNP rs386833657, ClinGen allele CA263532.
Genomic context (GRCh38, chr1:40,080,464, plus strand): 5'-TGATTTATATCTGCCAAGAAGATGCTGTGGTTGCGATACACATCCTCCTTTATGGGGTCA[T>C]GCCAGTATTCGGCTTGCACGAGGCTGTAGGAAAAAAAAAGAATGAGGTGATCAAGCTACA-3'
Protein context (NP_000301.1, residues 177-197): QERLVQAEYW[His187Arg]DPIKEDVYRN

ClinVar aggregate classification (germline): Likely pathogenic (0 of 4 stars; one submission).

Conditions:
Neuronal ceroid lipofuscinosis 1 (CLN1). Also called: CEROID LIPOFUSCINOSIS, NEURONAL, 1, VARIABLE AGE AT ONSET; PPT1-Related Neuronal Ceroid-Lipofuscinosis. Identifiers: Orphanet 228329, MedGen C1850451, MONDO:0009744, OMIM 256730.

Allele frequency attached by ClinVar (database versions not stated): gnomAD exomes 0.00001.
gnomAD v4.1: 6 of 1,613,948 alleles (0.00037%); highest among the groups gnomAD compares: Non-Finnish European, 0.00051%; no homozygotes.

Submission:

Juha Muilu Group; Institute for Molecular Medicine Finland (FIMM)
Classification: Likely pathogenic for Ceroid lipofuscinosis neuronal 1. Review status: no assertion criteria provided. Collection method: not provided. Allele origin: unknown.
Comment: FinDis database variant: This variant was not found or characterized by our laboratory, data were collected from public sources: see reference
ClinVar note: Converted during submission from probable-pathogenic to Likely pathogenic.